The following is an entry in ClinVar:

NM_025081.3(NYNRIN):c.5117G>A (p.Arg1706Gln)

Gene: NYNRIN (NYN domain and retroviral integrase containing; plus strand). Cytogenetic location: 14q12.
Variant type: single nucleotide variant.
Coding change: c.5117G>A on transcript NM_025081.3 (MANE Select); coding-DNA position 5117, G replaced by A.
Protein change: p.Arg1706Gln; replaces arginine 1706 with glutamine.
Molecular consequence: missense variant.
Genome position (GRCh38, 1-based): chr14:24,416,866, G>A. VCF-style: chr14-24416866-G-A. GRCh37 (hg19) VCF-style: chr14-24886072-G-A.
Other names: short protein forms R1706Q.
Identifiers: ClinVar variation 2537461 (VCV002537461.4), dbSNP rs765850035, ClinGen allele CA7137558.

ClinVar aggregate classification (germline): Uncertain significance. Review status: criteria provided, multiple submitters, no conflicts (2 of 4 stars). 2 submissions from 2 submitters: Uncertain significance (2). Last evaluated 2025-01-05.

Allele frequency attached by ClinVar (database versions not stated): gnomAD exomes 0.00003; ExAC 0.00009; 1000 Genomes Project 30x 0.00031.

Submissions (2):

Labcorp Genetics (formerly Invitae), Labcorp
Classification: Uncertain significance. Last evaluated: 2025-01-05. Review status: criteria provided, single submitter. Criteria: Invitae Variant Classification Sherloc (09022015). Collection method: clinical testing. Allele origin: germline.
Comment: This sequence change replaces arginine, which is basic and polar, with glutamine, which is neutral and polar, at codon 1706 of the NYNRIN protein (p.Arg1706Gln). This variant is present in population databases (rs765850035, gnomAD 0.1%), and has an allele count higher than expected for a pathogenic variant. This variant has not been reported in the literature in individuals affected with NYNRIN-related conditions. ClinVar contains an entry for this variant (Variation ID: 2537461). Experimental studies and prediction algorithms are not available or were not evaluated, and the functional significance of this variant is currently unknown. In summary, the available evidence is currently insufficient to determine the role of this variant in disease. Therefore, it has been classified as a Variant of Uncertain Significance.

Ambry Genetics
Classification: Uncertain significance. Last evaluated: 2023-04-18. Review status: criteria provided, single submitter. Criteria: Ambry Variant Classification Scheme 2023. Collection method: clinical testing. Allele origin: germline.